The following is an entry in ClinVar:

NM_001101372.3(IGLON5):c.647-5G>A

Gene: IGLON5 (IgLON family member 5; plus strand). Cytogenetic location: 19q13.41.
Variant type: single nucleotide variant.
Coding change: c.647-5G>A on transcript NM_001101372.3 (MANE Select); 5 bases into the intron before coding-DNA position 647, G replaced by A.
Molecular consequence: intron variant.
Genome position (GRCh38, 1-based): chr19:51,327,075, G>A. VCF-style: chr19-51327075-G-A. GRCh37 (hg19) VCF-style: chr19-51830329-G-A.
Identifiers: ClinVar variation 5040504 (VCV005040504.1).
Genomic context (GRCh38, chr19:51,327,075, plus strand): 5'-CTGGGGGCGGGACCCCTTCGTCCCCACGCGGCTAGGAGAATTCGCTGACCCTTGCCCCTC[G>A]CCAGATCCTCCGACCATCACGGACGTGACCAGCGCCCGCACCGCGCTGGGCCGGGCCGCC-3'

ClinVar aggregate classification (germline): Likely benign (1 of 4 stars; one submission).

gnomAD v4.1: 4 of 1,604,214 alleles (0.00025%); highest among the groups gnomAD compares: African/African-American, 0.004%; no homozygotes.

Submission:

CeGaT Center for Human Genetics Tuebingen
Classification: Likely benign. Last evaluated: 2026-07-01. Review status: criteria provided, single submitter. Criteria: CeGaT Center For Human Genetics Tuebingen Variant Classification Criteria Version 2. Collection method: clinical testing. Allele origin: germline. Affected: yes. Observed: 1 variant allele.
Comment: IGLON5: BP4